The following is an entry in ClinVar:

NM_000091.5(COL4A3):c.88-5976_195del

Genes: MFF-DT (MFF divergent transcript; minus strand), COL4A3 (collagen type IV alpha 3 chain; plus strand). Cytogenetic location: 2q36.3.
Variant type: Deletion.
Coding change: c.88-5976_195del on transcript NM_000091.5 (MANE Select); 5976 bases into the intron before coding-DNA position 88 through coding-DNA position 195, 8,202 bases deleted.
Molecular consequence: splice acceptor variant, splice donor variant.
Genome position (GRCh38, 1-based): chr2:227,231,992-227,240,193, 8,202 bases deleted. GRCh37 (hg19): chr2:228,096,708-228,104,909.
Identifiers: ClinVar variation 857806 (VCV000857806.1), ClinGen allele CA916080306.

ClinVar aggregate classification (germline): Likely pathogenic (1 of 4 stars; one submission).

Submission:

Labcorp Genetics (formerly Invitae), Labcorp
Classification: Likely pathogenic. Last evaluated: 2019-12-27. Review status: criteria provided, single submitter. Criteria: Invitae Variant Classification Sherloc (09022015). Collection method: clinical testing. Allele origin: germline.
Comment: This variant results in the deletion of exon 2 and part of exon 3 of the COL4A3 gene. It is expected to disrupt RNA splicing and likely results in an absent or disrupted protein product. This variant has not been reported in the literature in individuals with COL4A3-related conditions. Loss-of-function variants in COL4A3 are known to be pathogenic (PMID: 8956999, 24854265, 26809805, 27281700). In summary, the currently available evidence indicates that the variant is pathogenic, but additional data are needed to prove that conclusively. Therefore, this variant has been classified as Likely Pathogenic.